The following is an entry in ClinVar:

NM_053025.4(MYLK):c.2605G>A (p.Val869Met)

Gene: MYLK (myosin light chain kinase; minus strand). Cytogenetic location: 3q21.1.
Variant type: single nucleotide variant.
Coding change: c.2605G>A on transcript NM_053025.4 (MANE Select); coding-DNA position 2605, G replaced by A.
Protein change: p.Val869Met; replaces valine 869 with methionine.
Molecular consequence: missense variant.
Genome position (GRCh38, 1-based): chr3:123,700,863, C>T on the plus strand (G>A on the coding strand, the complement: MYLK is on the minus strand). VCF-style: chr3-123700863-C-T. GRCh37 (hg19) VCF-style: chr3-123419710-C-T.
Other names: p.Val869Met; c.2077G>A, p.Val693Met (NM_001321309.2); c.2398G>A, p.Val800Met (NM_053026.4, NM_053028.4); c.2605G>A, p.Val869Met (NM_053027.4); short protein forms V869M, V693M, V800M.
Identifiers: ClinVar variation 626512 (VCV000626512.11), dbSNP rs749162097, ClinGen allele CA068781.
Genomic context (GRCh38, chr3:123,700,863, plus strand): 5'-GGCGGATCGCCTCCTCAGTGTGCTGCCTCGTCTCCACGCGCCTCTTCAGCACCCCTCGCA[C>T]GTCCTCGCCGTCTTCCTCCTCTAGCCAACCCTGCCCTCTTGCTGGCCAGCCAGGCCTCAG-3'
Protein context (NP_444253.3, residues 859-879): GWLEEEDGED[Val869Met]RGVLKRRVET

ClinVar aggregate classification (germline): Uncertain significance. Review status: criteria provided, multiple submitters, no conflicts (2 of 4 stars). 4 submissions from 4 submitters: Uncertain significance (4). Last evaluated 2025-12-17.

Conditions:
Familial thoracic aortic aneurysm and aortic dissection (TAAD). Also called: Thoracic aortic aneurysms and dissections. Identifiers: Orphanet 91387, MedGen C4707243, MONDO:0019625.
Aortic aneurysm, familial thoracic 7 (AAT7). Also called: AORTIC DISSECTION, FAMILIAL, WITH OR WITHOUT AORTIC ANEURYSM. Identifiers: MedGen C3151077, MONDO:0013418, OMIM 613780.

Allele frequency attached by ClinVar (database versions not stated): ExAC 0.00002; gnomAD exomes 0.00002.
gnomAD v4.1: 25 of 1,613,652 alleles (0.0015%); highest among the groups gnomAD compares: Non-Finnish European, 0.0018%; no homozygotes.

Submissions (4):

Mayo Clinic Laboratories, Mayo Clinic
Classification: Uncertain significance. Last evaluated: 2025-12-17. Review status: criteria provided, single submitter. Criteria: ACMG Guidelines, 2015. Collection method: clinical testing. Allele origin: germline. Observed: 1 variant allele.
Comment: BP4

Labcorp Genetics (formerly Invitae), Labcorp
Classification: Uncertain significance for Aortic aneurysm, familial thoracic 7. Last evaluated: 2023-04-28. Review status: criteria provided, single submitter. Criteria: Invitae Variant Classification Sherloc (09022015). Collection method: clinical testing. Allele origin: germline.
Comment: In summary, the available evidence is currently insufficient to determine the role of this variant in disease. Therefore, it has been classified as a Variant of Uncertain Significance. Advanced modeling of protein sequence and biophysical properties (such as structural, functional, and spatial information, amino acid conservation, physicochemical variation, residue mobility, and thermodynamic stability) performed at Invitae indicates that this missense variant is not expected to disrupt MYLK protein function. ClinVar contains an entry for this variant (Variation ID: 626512). This missense change has been observed in individuals with clinical features of MYLK-related conditions (Invitae). This variant is present in population databases (rs749162097, gnomAD 0.007%). This sequence change replaces valine, which is neutral and non-polar, with methionine, which is neutral and non-polar, at codon 869 of the MYLK protein (p.Val869Met).

Ambry Genetics
Classification: Uncertain significance for Familial thoracic aortic aneurysm and aortic dissection. Last evaluated: 2022-08-08. Review status: criteria provided, single submitter. Criteria: Ambry Variant Classification Scheme 2023. Collection method: clinical testing. Allele origin: germline.
Comment: The p.V869M variant (also known as c.2605G>A), located in coding exon 15 of the MYLK gene, results from a G to A substitution at nucleotide position 2605. The valine at codon 869 is replaced by methionine, an amino acid with highly similar properties. This amino acid position is conserved. In addition, the in silico prediction for this alteration is inconclusive. Since supporting evidence is limited at this time, the clinical significance of this alteration remains unclear.

CHEO Genetics Diagnostic Laboratory, Children's Hospital of Eastern Ontario
Classification: Uncertain significance for Familial thoracic aortic aneurysm and aortic dissection. Last evaluated: 2016-11-03. Review status: criteria provided, single submitter. Criteria: ACMG Guidelines, 2015. Collection method: clinical testing. Allele origin: germline. Study: Canadian Open Genetics Repository.